The following is an entry in ClinVar:

NM_003680.4(YARS1):c.1225T>C (p.Phe409Leu)

Gene: YARS1 (tyrosyl-tRNA synthetase 1; minus strand). Cytogenetic location: 1p35.1.
Variant type: single nucleotide variant.
Coding change: c.1225T>C on transcript NM_003680.4 (MANE Select); coding-DNA position 1225, T replaced by C.
Protein change: p.Phe409Leu; replaces phenylalanine 409 with leucine.
Molecular consequence: missense variant.
Genome position (GRCh38, 1-based): chr1:32,780,194, A>G on the plus strand (T>C on the coding strand, the complement: YARS1 is on the minus strand). VCF-style: chr1-32780194-A-G. GRCh37 (hg19) VCF-style: chr1-33245795-A-G.
Other names: short protein forms F409L.
Identifiers: ClinVar variation 3663927 (VCV003663927.2).

ClinVar aggregate classification (germline): Uncertain significance (1 of 4 stars; one submission).

Conditions:
Charcot-Marie-Tooth disease dominant intermediate C (CMTDIC). Also called: CHARCOT-MARIE-TOOTH NEUROPATHY, DOMINANT INTERMEDIATE C. Identifiers: Orphanet 100045, MedGen C1842237, MONDO:0012012, OMIM 608323.

Submission:

Labcorp Genetics (formerly Invitae), Labcorp
Classification: Uncertain significance for Charcot-Marie-Tooth disease dominant intermediate C. Last evaluated: 2024-08-29. Review status: criteria provided, single submitter. Criteria: Invitae Variant Classification Sherloc (09022015). Collection method: clinical testing. Allele origin: germline.
Comment: This sequence change replaces phenylalanine, which is neutral and non-polar, with leucine, which is neutral and non-polar, at codon 409 of the YARS protein (p.Phe409Leu). This variant is not present in population databases (gnomAD no frequency). This variant has not been reported in the literature in individuals affected with YARS-related conditions. Invitae Evidence Modeling of protein sequence and biophysical properties (such as structural, functional, and spatial information, amino acid conservation, physicochemical variation, residue mobility, and thermodynamic stability) indicates that this missense variant is not expected to disrupt YARS protein function with a negative predictive value of 80%. In summary, the available evidence is currently insufficient to determine the role of this variant in disease. Therefore, it has been classified as a Variant of Uncertain Significance.